The following is an entry in ClinVar:

NM_001256627.2(BRSK2):c.1656C>T (p.His552=)

Gene: BRSK2 (BR serine/threonine kinase 2; plus strand). Cytogenetic location: 11p15.5.
Variant type: single nucleotide variant.
Coding change: c.1656C>T on transcript NM_001256627.2 (MANE Select); coding-DNA position 1656, C replaced by T.
Protein change: p.His552=; no amino-acid change (histidine 552 retained).
Molecular consequence: synonymous variant. On other transcripts: non-coding transcript variant (1).
Genome position (GRCh38, 1-based): chr11:1,454,596, C>T. VCF-style: chr11-1454596-C-T. GRCh37 (hg19) VCF-style: chr11-1475826-C-T.
Other names: c.1656C>T, p.His552= (NM_001256629.2, NM_003957.4); c.1794C>T, p.His598= (NM_001256630.1); c.1476C>T, p.His492= (NM_001282218.2); c.1656C>T (NM_001256627.1).
Identifiers: ClinVar variation 2641340 (VCV002641340.26), dbSNP rs147039698, ClinGen allele CA5811153.
Genomic context (GRCh38, chr11:1,454,596, plus strand): 5'-GCAGATCTTCGTGGTCATCAAAGACAAACCTCTGAGCTCCATCAAGGCTGACATCGTGCA[C>T]GCCTTCCTGTCGGTGAGGCCACAGGGCGCTGGGGGAGGCGGGCAGCCCTCCCAACCCCAC-3'
Protein context (NP_001243556.1, residues 542-562): PLSSIKADIV[His552=]AFLSIPSLSH

ClinVar aggregate classification (germline): Likely benign. Review status: criteria provided, multiple submitters, no conflicts (2 of 4 stars). 3 submissions from 3 submitters: Likely benign (2). 1 of the submissions does not count toward it. Last evaluated 2024-06-07.

Conditions:
BRSK2-related disorder. Also called: BRSK2-related condition; BRSK2-Related Disorders.

Allele frequency attached by ClinVar (database versions not stated): 1000 Genomes Project 30x 0.00016; 1000 Genomes Project 0.00020; ExAC 0.00082; gnomAD 0.00083; TOPMed 0.00090; ESP Exome Variant Server 0.00135.
gnomAD v4.1: 2,228 of 1,613,008 alleles (0.14%); highest among the groups gnomAD compares: Non-Finnish European, 0.17%; 9 homozygotes.

Submissions (3):

Blueprint Genetics
Classification: Likely benign. Last evaluated: 2024-06-07. Review status: criteria provided, single submitter. Criteria: ACMG Guidelines, 2015. Collection method: clinical testing. Allele origin: germline.

CeGaT Center for Human Genetics Tuebingen
Classification: Likely benign. Last evaluated: 2024-06-01. Review status: criteria provided, single submitter. Criteria: CeGaT Center For Human Genetics Tuebingen Variant Classification Criteria Version 2. Collection method: clinical testing. Allele origin: germline. Affected: yes. Observed: 2 variant alleles.
Comment: BRSK2: BP4, BP7

PreventionGenetics, part of Exact Sciences
Classification: Likely benign for BRSK2-related condition. Last evaluated: 2023-11-29. Review status: no assertion criteria provided. Collection method: clinical testing. Allele origin: germline. Not counted in ClinVar's aggregate classification.
Comment: This variant is classified as likely benign based on ACMG/AMP sequence variant interpretation guidelines (Richards et al. 2015 PMID: 25741868, with internal and published modifications).